The following is an entry in ClinVar:

ClinVar aggregate classification (germline): Conflicting classifications of pathogenicity. Review status: criteria provided, conflicting classifications (1 of 4 stars). 5 submissions from 5 submitters: Uncertain significance (1); Likely benign (2). 2 of the submissions do not count toward it. Last evaluated 2026-01-19.

Conditions:
Fanconi anemia complementation group A (FANCA). Also called: Fanconi anemia, group A; FANCA-Related Fanconi Anemia. Identifiers: Orphanet 84, MedGen C3469521, MONDO:0009215, OMIM 227650.
FANCA-related disorder. Also called: FANCA-related condition.
Fanconi anemia (FA). Also called: Fanconi's anemia. Identifiers: Orphanet 84, MedGen C0015625, MeSH D005199, MONDO:0019391.

Allele frequency attached by ClinVar (database versions not stated): ExAC 0.00007; gnomAD 0.00007; gnomAD exomes 0.00008 and 0.00018; TOPMed 0.00010; ESP Exome Variant Server 0.00015.
gnomAD v4.1: 265 of 1,604,520 alleles (0.017%); highest among the groups gnomAD compares: Non-Finnish European, 0.022%; no homozygotes.

Submissions (5):

Labcorp Genetics (formerly Invitae), Labcorp
Classification: Likely benign for Fanconi anemia. Last evaluated: 2026-01-19. Review status: criteria provided, single submitter. Criteria: Invitae Variant Classification Sherloc (09022015). Collection method: clinical testing. Allele origin: germline.

Blueprint Genetics
Classification: Likely benign. Last evaluated: 2024-08-22. Review status: criteria provided, single submitter. Criteria: ACMG Guidelines, 2015. Collection method: clinical testing. Allele origin: germline.

Genetic Services Laboratory, University of Chicago
Classification: Uncertain significance. Last evaluated: 2017-06-07. Review status: criteria provided, single submitter. Criteria: ACMG Guidelines, 2015. Collection method: clinical testing. Allele origin: germline. Affected: no.

PreventionGenetics, part of Exact Sciences
Classification: Likely benign for FANCA-related condition. Last evaluated: 2020-06-29. Review status: no assertion criteria provided. Collection method: clinical testing. Allele origin: germline. Not counted in ClinVar's aggregate classification.
Comment: This variant is classified as likely benign based on ACMG/AMP sequence variant interpretation guidelines (Richards et al. 2015 PMID: 25741868, with internal and published modifications).

Natera, Inc.
Classification: Uncertain significance for Fanconi anemia, group A. Last evaluated: 2019-10-28. Review status: no assertion criteria provided. Collection method: clinical testing. Allele origin: germline. Not counted in ClinVar's aggregate classification.

NM_000135.4(FANCA):c.2222+7G>A

Gene: FANCA (FA complementation group A; minus strand). Cytogenetic location: 16q24.3.
Variant type: single nucleotide variant.
Coding change: c.2222+7G>A on transcript NM_000135.4 (MANE Select); 7 bases into the intron after coding-DNA position 2222, G replaced by A.
Molecular consequence: intron variant.
Genome position (GRCh38, 1-based): chr16:89,770,557, C>T on the plus strand (G>A on the coding strand, the complement: FANCA is on the minus strand). VCF-style: chr16-89770557-C-T. GRCh37 (hg19) VCF-style: chr16-89836965-C-T.
Other names: c.2222+7G>A (NM_001286167.3, LRG_495t1).
Identifiers: ClinVar variation 435120 (VCV000435120.20), dbSNP rs374312736, ClinGen allele CA8251840.